The following is an entry in ClinVar:

NM_000384.3(APOB):c.4383G>A (p.Trp1461Ter)

Gene: APOB (apolipoprotein B; minus strand). Cytogenetic location: 2p24.1.
Variant type: single nucleotide variant.
Coding change: c.4383G>A on transcript NM_000384.3 (MANE Select); coding-DNA position 4383, G replaced by A.
Protein change: p.Trp1461Ter; replaces tryptophan 1461 with a stop codon.
Molecular consequence: nonsense.
Genome position (GRCh38, 1-based): chr2:21,012,485, C>T on the plus strand (G>A on the coding strand, the complement: APOB is on the minus strand). VCF-style: chr2-21012485-C-T. GRCh37 (hg19) VCF-style: chr2-21235357-C-T.
Other names: short protein forms W1461*.
Identifiers: ClinVar variation 4077157 (VCV004077157.2).

ClinVar aggregate classification (germline): Likely pathogenic (1 of 4 stars; one submission).

Conditions:
Familial hypobetalipoproteinemia 1. Also called: APOB-Related Familial Hypobetalipoproteinemia; Hypobetalipoproteinemia, normotriglyceridemic; Acanthocytosis with hypobetalipoproteinemia. Identifiers: MedGen C4551990, MONDO:0014252, OMIM 615558.

Submission:

Clinical Genetics Laboratory, Region Ostergotland
Classification: Likely pathogenic for Familial hypobetalipoproteinemia 1. Last evaluated: 2023-12-05. Review status: criteria provided, single submitter. Criteria: ACMG Guidelines, 2015. Collection method: clinical testing. Allele origin: germline. Affected: yes.
Comment: Variants in APOB resulting in reduced secretion of ApoB (mainly nonsense and frameshift variants) cause familial hypobetalipoproteinemia (FHBL), characterized by hypocholesterolemia and ApoB < 5th percentile (PMID: 24751931, PMID: 15308601). The variant is not found in population database (gnomAD). The following ACMG/AMP criteria were applied in classifying this variant: PVS1, PM2

Literature cited by the submitters: PubMed 24751931; PubMed 15308601.